The following is an entry in ClinVar:

ClinVar aggregate classification (germline): Likely benign. Review status: criteria provided, single submitter (1 of 4 stars). 2 submissions from 2 submitters: Likely benign (1). 1 of the submissions does not count toward it. Last evaluated 2025-12-01.

Conditions:
PIK3AP1-related disorder. Also called: PIK3AP1-related condition.
Infantile spasms. Also called: Infantile spasm. Identifiers: MedGen C3887898, HP:0012469.

Allele frequency attached by ClinVar (database versions not stated): gnomAD exomes 0.00003 and 0.00011; ExAC 0.00012; gnomAD 0.00029 and 0.00028; 1000 Genomes Project 30x 0.00062; 1000 Genomes Project 0.00040; TOPMed 0.00054.
gnomAD v4.1: 97 of 1,614,052 alleles (0.006%); highest among the groups gnomAD compares: Admixed American, 0.092%; no homozygotes.

Submissions (2):

Labcorp Genetics (formerly Invitae), Labcorp
Classification: Likely benign for Infantile spasms. Last evaluated: 2025-12-01. Review status: criteria provided, single submitter. Criteria: Invitae Variant Classification Sherloc (09022015). Collection method: clinical testing. Allele origin: germline.

PreventionGenetics, part of Exact Sciences
Classification: Likely benign for PIK3AP1-related condition. Last evaluated: 2019-08-09. Review status: no assertion criteria provided. Collection method: clinical testing. Allele origin: germline. Not counted in ClinVar's aggregate classification.
Comment: This variant is classified as likely benign based on ACMG/AMP sequence variant interpretation guidelines (Richards et al. 2015 PMID: 25741868, with internal and published modifications).

NM_152309.3(PIK3AP1):c.774C>T (p.Thr258=)

Gene: PIK3AP1 (phosphoinositide-3-kinase adaptor protein 1; minus strand). Cytogenetic location: 10q24.1.
Variant type: single nucleotide variant.
Coding change: c.774C>T on transcript NM_152309.3 (MANE Select); coding-DNA position 774, C replaced by T.
Protein change: p.Thr258=; no amino-acid change (threonine 258 retained).
Molecular consequence: synonymous variant.
Genome position (GRCh38, 1-based): chr10:96,651,590, G>A on the plus strand (C>T on the coding strand, the complement: PIK3AP1 is on the minus strand). VCF-style: chr10-96651590-G-A. GRCh37 (hg19) VCF-style: chr10-98411347-G-A.
Identifiers: ClinVar variation 541755 (VCV000541755.14), dbSNP rs199687287, ClinGen allele CA5626453.